The following is an entry in ClinVar:

ClinVar aggregate classification (germline): Uncertain significance (1 of 4 stars; one submission).

Conditions:
SRD5A3-congenital disorder of glycosylation. Also called: Congenital disorder of glycosylation type 1Q; SRD5A3-CDG; COLOBOMA, OCULAR, WITH ICHTHYOSIS, BRAIN MALFORMATIONS, AND ENDOCRINE ABNORMALITIES; Ocular colobomas, ichthyosis, brain malformations and endocrine abnormalities; CDG Iq. Identifiers: Orphanet 324737, MedGen C4317224, MONDO:0012885, OMIM 612379.

Allele frequency attached by ClinVar (database versions not stated): ExAC 0.00001; gnomAD exomes 0.00001 and 0.00003; TOPMed 0.00002; gnomAD 0.00003.

Submission:

Labcorp Genetics (formerly Invitae), Labcorp
Classification: Uncertain significance for SRD5A3-congenital disorder of glycosylation. Last evaluated: 2024-09-16. Review status: criteria provided, single submitter. Criteria: Invitae Variant Classification Sherloc (09022015). Collection method: clinical testing. Allele origin: germline.
Comment: This sequence change replaces glutamine, which is neutral and polar, with arginine, which is basic and polar, at codon 47 of the SRD5A3 protein (p.Gln47Arg). The frequency data for this variant in the population databases is considered unreliable, as metrics indicate poor data quality at this position in the gnomAD database. This variant has not been reported in the literature in individuals affected with SRD5A3-related conditions. ClinVar contains an entry for this variant (Variation ID: 579047). An algorithm developed to predict the effect of missense changes on protein structure and function (PolyPhen-2) suggests that this variant is likely to be disruptive. In summary, the available evidence is currently insufficient to determine the role of this variant in disease. Therefore, it has been classified as a Variant of Uncertain Significance.

NM_024592.5(SRD5A3):c.140A>G (p.Gln47Arg)

Gene: SRD5A3 (steroid 5 alpha-reductase 3; plus strand). Cytogenetic location: 4q12.
Variant type: single nucleotide variant.
Coding change: c.140A>G on transcript NM_024592.5 (MANE Select); coding-DNA position 140, A replaced by G.
Protein change: p.Gln47Arg; replaces glutamine 47 with arginine.
Molecular consequence: missense variant.
Genome position (GRCh38, 1-based): chr4:55,346,476, A>G. VCF-style: chr4-55346476-A-G. GRCh37 (hg19) VCF-style: chr4-56212643-A-G.
Other names: short protein forms Q47R.
Identifiers: ClinVar variation 579047 (VCV000579047.9), dbSNP rs764835755, ClinGen allele CA2925215.